The following is an entry in ClinVar:

ClinVar aggregate classification (germline): Uncertain significance. Review status: criteria provided, multiple submitters, no conflicts (2 of 4 stars). 2 submissions from 2 submitters: Uncertain significance (2). Last evaluated 2025-10-20.

Conditions:
CUL4B-related disorder. Also called: CUL4B-related condition.

Submissions (2):

GeneDx
Classification: Uncertain significance. Last evaluated: 2025-10-20. Review status: criteria provided, single submitter. Criteria: GeneDx Variant Classification Process June 2021. Collection method: clinical testing. Allele origin: germline.
Comment: In-frame deletion of 1 amino acid(s) in a non-repeat region; Not observed at significant frequency in large population cohorts (gnomAD); In silico analysis supports a deleterious effect on protein structure/function; Has not been previously published as pathogenic or benign to our knowledge

PreventionGenetics, part of Exact Sciences
Classification: Uncertain significance for CUL4B-related condition. Last evaluated: 2024-10-08. Review status: criteria provided, single submitter. Criteria: ACMG Guidelines, 2015. Collection method: clinical testing. Allele origin: germline.
Comment: The CUL4B c.222_224delAGA variant is predicted to result in an in-frame deletion (p.Glu74del). To our knowledge, this variant has not been reported in the literature or in a large population database, indicating this variant is rare. At this time, the clinical significance of this variant is uncertain due to the absence of conclusive functional and genetic evidence.

NM_001079872.2(CUL4B):c.165AGA[1] (p.Glu56del)

Genes: CUL4B (cullin 4B; minus strand), LOC113845788 (Sharpr-MPRA regulatory region 11856; plus strand). Cytogenetic location: Xq24.
Variant type: Microsatellite.
Coding change: c.165AGA[1] on transcript NM_001079872.2 (MANE Select); one copy of the 3-base unit AGA starting at c.165; the reference has two copies in a row; one copy, 3 bases deleted.
Protein change: p.Glu56del; deletes glutamic acid 56.
Molecular consequence: inframe deletion.
Genome position (GRCh38, 1-based): chrX:120,560,469-120,560,471, TCT deleted on the plus strand (AGA on the coding strand, the reverse complement: CUL4B is on the minus strand); deleting any 3 consecutive bases within chrX:120,560,469-120,560,474 gives the same sequence; the position shown is the placement nearest the transcript's 3' end. VCF-style (leftmost placement, unchanged base first): chrX-120560468-GTCT-G. GRCh37 (hg19) VCF-style: chrX-119694323-GTCT-G.
Other names: c.222_224delAGA (NM_003588.3); c.180AGA[1], p.Glu61del (NM_001330624.2); c.219AGA[1], p.Glu74del (NM_003588.4); short protein forms E56del, E61del, E74del.
Identifiers: ClinVar variation 1698238 (VCV001698238.4), dbSNP rs2147350207, ClinGen allele CA2580612469.
Genomic context (GRCh38, chrX:120,560,468, plus strand): 5'-GGATGCCGAATCCCTGGGTTGTAAAGGAGGAGTGGAAGAGGAGGAAGAGGTGGAATCAAA[GTCT>G]TCTCTCTCGTTACTACTGTTACTGCTGCTACTGCTGCTGCTGTTTAACTTTCTCTTCTTG-3'